The following is an entry in ClinVar:

ClinVar aggregate classification (germline): Uncertain significance (1 of 4 stars; one submission).

Submission:

GeneDx
Classification: Uncertain significance. Last evaluated: 2021-04-21. Review status: criteria provided, single submitter. Criteria: GeneDx Variant Classification Process June 2021. Collection method: clinical testing. Allele origin: germline. Affected: yes.
Comment: Not observed at significant frequency in large population cohorts (Lek et al., 2016); In silico analysis supports that this missense variant does not alter protein structure/function; Has not been previously published as pathogenic or benign to our knowledge

NM_001146079.2(CLDN14):c.490C>A (p.Leu164Met)

Genes: CLDN14 (claudin 14; minus strand), CLDN14-AS1 (CLDN14 antisense RNA 1; plus strand). Cytogenetic location: 21q22.13.
Variant type: single nucleotide variant.
Coding change: c.490C>A on transcript NM_001146079.2 (MANE Select); coding-DNA position 490, C replaced by A.
Protein change: p.Leu164Met; replaces leucine 164 with methionine.
Molecular consequence: missense variant.
Genome position (GRCh38, 1-based): chr21:36,461,206, G>T on the plus strand (C>A on the coding strand, the complement: CLDN14 is on the minus strand). VCF-style: chr21-36461206-G-T. GRCh37 (hg19) VCF-style: chr21-37833504-G-T.
Other names: c.490C>A, p.Leu164Met (NM_001146077.2, NM_001146078.3, NM_012130.4 and 1 more transcripts); short protein forms L164M.
Identifiers: ClinVar variation 1314704 (VCV001314704.2), dbSNP rs2146410254, ClinGen allele CA409881411.